The following is an entry in ClinVar:

ClinVar aggregate classification (germline): Uncertain significance. Review status: criteria provided, multiple submitters, no conflicts (2 of 4 stars). 2 submissions from 2 submitters: Uncertain significance (2). Last evaluated 2021-12-09.

Conditions:
Hereditary cancer-predisposing syndrome. Also called: Hereditary Cancer Syndrome; Tumor predisposition; Hereditary neoplastic syndrome; Neoplastic Syndromes, Hereditary. Identifiers: Orphanet 140162, MedGen C0027672, MeSH D009386, MONDO:0015356.
Rhabdoid tumor predisposition syndrome 2 (RTPS2). Identifiers: Orphanet 231108, Orphanet 69077, MedGen C2750074, MONDO:0013224, OMIM 613325.

Submissions (2):

Ambry Genetics
Classification: Uncertain significance for Hereditary cancer-predisposing syndrome. Last evaluated: 2021-12-09. Review status: criteria provided, single submitter. Criteria: Ambry Variant Classification Scheme 2023. Collection method: clinical testing. Allele origin: germline.
Comment: The p.G1146V variant (also known as c.3437G>T), located in coding exon 24 of the SMARCA4 gene, results from a G to T substitution at nucleotide position 3437. The glycine at codon 1146 is replaced by valine, an amino acid with dissimilar properties. This amino acid position is not well conserved in available vertebrate species. In addition, this alteration is predicted to be tolerated by in silico analysis. Missense and in-frame variants in SMARCA4 are known to cause neurodevelopmental disorders; however, such associations with rhabdoid tumor predisposition syndrome including small cell carcinoma of the ovary-hypercalcemic type (SCCOHT) are exceedingly rare (Kosho T et al. Am J Med Genet C Semin Med Genet. 2014 Sep;166C(3):262-75; Jelinic P et al. Nat Genet. 2014 May;46(5):424-6). Based on the supporting evidence, the association of this alteration with Coffin-Siris is unknown; however, the association of this alteration with rhabdoid tumor predisposition syndrome syndrome is unlikely.

Labcorp Genetics (formerly Invitae), Labcorp
Classification: Uncertain significance for Rhabdoid tumor predisposition syndrome 2. Last evaluated: 2020-06-17. Review status: criteria provided, single submitter. Criteria: Invitae Variant Classification Sherloc (09022015). Collection method: clinical testing. Allele origin: germline.
Comment: In summary, the available evidence is currently insufficient to determine the role of this variant in disease. Therefore, it has been classified as a Variant of Uncertain Significance. Algorithms developed to predict the effect of missense changes on protein structure and function are either unavailable or do not agree on the potential impact of this missense change (SIFT: "Deleterious"; PolyPhen-2: "Benign"; Align-GVGD: "Class C0"). This variant has not been reported in the literature in individuals with SMARCA4-related conditions. This variant is not present in population databases (ExAC no frequency). This sequence change replaces glycine with valine at codon 1146 of the SMARCA4 protein (p.Gly1146Val). The glycine residue is moderately conserved and there is a moderate physicochemical difference between glycine and valine.

NM_003072.5(SMARCA4):c.3437G>T (p.Gly1146Val)

Gene: SMARCA4 (SWI/SNF related BAF chromatin remodeling complex subunit ATPase 4; plus strand). Cytogenetic location: 19p13.2.
Variant type: single nucleotide variant.
Coding change: c.3437G>T on transcript NM_003072.5 (MANE Select); coding-DNA position 3437, G replaced by T.
Protein change: p.Gly1146Val; replaces glycine 1146 with valine.
Molecular consequence: missense variant. On other transcripts: non-coding transcript variant (1).
Genome position (GRCh38, 1-based): chr19:11,030,784, G>T. VCF-style: chr19-11030784-G-T. GRCh37 (hg19) VCF-style: chr19-11141460-G-T.
Other names: c.3437G>T, p.Gly1146Val (NM_001128844.3, NM_001128845.2, NM_001128846.2 and 5 more transcripts); short protein forms G1146V.
Identifiers: ClinVar variation 1044143 (VCV001044143.11), dbSNP rs566531015, ClinGen allele CA404062781.